The following is an entry in ClinVar:

ClinVar aggregate classification (germline): Likely pathogenic (1 of 4 stars; one submission).

Submission:

CeGaT Center for Human Genetics Tuebingen
Classification: Likely pathogenic. Last evaluated: 2022-03-01. Review status: criteria provided, single submitter. Criteria: CeGaT Center For Human Genetics Tuebingen Variant Classification Criteria Version 2. Collection method: clinical testing. Allele origin: germline. Affected: yes. Observed: 1 variant allele.
Comment: SCN1A: PM1, PM2, PP2, PP3

NM_001165963.4(SCN1A):c.4433T>A (p.Phe1478Tyr)

Genes: SCN1A (sodium voltage-gated channel alpha subunit 1; minus strand), LOC102724058 (uncharacterized LOC102724058; plus strand). Cytogenetic location: 2q24.3.
Variant type: single nucleotide variant.
Coding change: c.4433T>A on transcript NM_001165963.4 (MANE Select); coding-DNA position 4433, T replaced by A.
Protein change: p.Phe1478Tyr; replaces phenylalanine 1478 with tyrosine.
Molecular consequence: missense variant. On other transcripts: non-coding transcript variant (1).
Genome position (GRCh38, 1-based): chr2:165,998,081, A>T on the plus strand (T>A on the coding strand, the complement: SCN1A is on the minus strand). VCF-style: chr2-165998081-A-T. GRCh37 (hg19) VCF-style: chr2-166854591-A-T.
Other names: c.4349T>A, p.Phe1450Tyr (NM_001353958.2, NM_001165964.3, NM_001353957.2); c.4346T>A, p.Phe1449Tyr (NM_001353960.2); c.1991T>A, p.Phe664Tyr (NM_001353961.2); c.4400T>A, p.Phe1467Tyr (NM_006920.6, NM_001353949.2, NM_001353950.2 and 2 more transcripts); c.4433T>A, p.Phe1478Tyr (NM_001202435.3, NM_001353948.2); c.4397T>A, p.Phe1466Tyr (NM_001353954.2, NM_001353955.2); short protein forms F1449Y, F1450Y, F1466Y, F1467Y, F1478Y, F664Y.
Identifiers: ClinVar variation 1675807 (VCV001675807.33), dbSNP rs2105475961, ClinGen allele CA349049294.